The following is an entry in ClinVar:

ClinVar aggregate classification (germline): Uncertain significance (1 of 4 stars; one submission).

gnomAD v4.1: 1 of 1,614,134 alleles (0.000062%); highest among the groups gnomAD compares: Non-Finnish European, 0.000085%; no homozygotes.

Submission:

Labcorp Genetics (formerly Invitae), Labcorp
Classification: Uncertain significance. Last evaluated: 2025-09-29. Review status: criteria provided, single submitter. Criteria: Invitae Variant Classification Sherloc (09022015). Collection method: clinical testing. Allele origin: germline.
Comment: This sequence change replaces glutamic acid, which is acidic and polar, with lysine, which is basic and polar, at codon 3205 of the ANK3 protein (p.Glu3205Lys). This variant is not present in population databases (gnomAD no frequency). This variant has not been reported in the literature in individuals affected with ANK3-related conditions. Invitae Evidence Modeling of protein sequence and biophysical properties (such as structural, functional, and spatial information, amino acid conservation, physicochemical variation, residue mobility, and thermodynamic stability) indicates that this missense variant is expected to disrupt ANK3 protein function with a positive predictive value of 80%. In summary, the available evidence is currently insufficient to determine the role of this variant in disease. Therefore, it has been classified as a Variant of Uncertain Significance.

NM_020987.5(ANK3):c.9613G>A (p.Glu3205Lys)

Gene: ANK3 (ankyrin 3; minus strand). Cytogenetic location: 10q21.2.
Variant type: single nucleotide variant.
Coding change: c.9613G>A on transcript NM_020987.5 (MANE Select); coding-DNA position 9613, G replaced by A.
Protein change: p.Glu3205Lys; replaces glutamic acid 3205 with lysine.
Molecular consequence: missense variant. On other transcripts: intron variant (4).
Genome position (GRCh38, 1-based): chr10:60,071,268, C>T on the plus strand (G>A on the coding strand, the complement: ANK3 is on the minus strand). VCF-style: chr10-60071268-C-T. GRCh37 (hg19) VCF-style: chr10-61831026-C-T.
Other names: c.4388-3259G>A (NM_001204403.2); c.4409-3259G>A (NM_001204404.2); c.4406-3259G>A (NM_001320874.2); c.1808-3259G>A (NM_001149.4); short protein forms E3205K.
Identifiers: ClinVar variation 4741545 (VCV004741545.1).